The following is an entry in ClinVar:

NM_144999.4(LRRC45):c.2006C>G (p.Pro669Arg)

Gene: LRRC45 (leucine rich repeat containing 45; plus strand). Cytogenetic location: 17q25.3.
Variant type: single nucleotide variant.
Coding change: c.2006C>G on transcript NM_144999.4 (MANE Select); coding-DNA position 2006, C replaced by G.
Protein change: p.Pro669Arg; replaces proline 669 with arginine.
Molecular consequence: missense variant.
Genome position (GRCh38, 1-based): chr17:82,030,798, C>G. VCF-style: chr17-82030798-C-G. GRCh37 (hg19) VCF-style: chr17-79988674-C-G.
Other names: short protein forms P669R.
Identifiers: ClinVar variation 5000979 (VCV005000979.1).

ClinVar aggregate classification (germline): Uncertain significance (1 of 4 stars; one submission).

Conditions:
LRRC45-related disorder. Also called: LRRC45-related condition.

gnomAD v4.1: 5 of 1,364,768 alleles (0.00037%); highest among the groups gnomAD compares: African/African-American, 0.0045%; no homozygotes.

Submission:

PreventionGenetics, part of Exact Sciences
Classification: Uncertain significance for LRRC45-related condition. Last evaluated: 2026-07-08. Review status: criteria provided, single submitter. Criteria: ACMG Guidelines, 2015. Collection method: clinical testing. Allele origin: germline.
Comment: The LRRC45 c.2006C>G variant is predicted to result in the amino acid substitution p.Pro669Arg. To our knowledge, this variant has not been reported in the literature. This variant has not been reported in version 2 (v2) of gnomAD; however, the coverage of this variant in v2 of this database should be interpreted with caution. In gnomAD v4 (available only on GRCh38), this variant has been reported with good quality metrics in 0.0044% of alleles in a subpopulation. At this time, the clinical significance of this variant is uncertain due to the absence of conclusive functional and genetic evidence.